The following is an entry in ClinVar:

NM_014714.4(IFT140):c.3364G>A (p.Asp1122Asn)

Gene: IFT140 (intraflagellar transport 140; minus strand). Cytogenetic location: 16p13.3.
Variant type: single nucleotide variant.
Coding change: c.3364G>A on transcript NM_014714.4 (MANE Select); coding-DNA position 3364, G replaced by A.
Protein change: p.Asp1122Asn; replaces aspartic acid 1122 with asparagine.
Molecular consequence: missense variant.
Genome position (GRCh38, 1-based): chr16:1,523,607, C>T on the plus strand (G>A on the coding strand, the complement: IFT140 is on the minus strand). VCF-style: chr16-1523607-C-T. GRCh37 (hg19) VCF-style: chr16-1573608-C-T.
Other names: short protein forms D1122N.
Identifiers: ClinVar variation 1714192 (VCV001714192.5), dbSNP rs2506102248, ClinGen allele CA394225327.

ClinVar aggregate classification (germline): Uncertain significance (1 of 4 stars; one submission).

Conditions:
Saldino-Mainzer syndrome (SRTD9). Also called: CONORENAL SYNDROME; short-rib thoracic dysplasia 9 with or without polydactyly; Renal dysplasia, retinal pigmentary dystrophy, cerebellar ataxia and skeletal dysplasia; SHORT-RIB THORACIC DYSPLASIA 9 WITHOUT POLYDACTYLY. Identifiers: Orphanet 140969, MedGen C1849437, MONDO:0009964, OMIM 266920.

Submission:

Labcorp Genetics (formerly Invitae), Labcorp
Classification: Uncertain significance for Saldino-Mainzer syndrome. Last evaluated: 2022-07-15. Review status: criteria provided, single submitter. Criteria: Invitae Variant Classification Sherloc (09022015). Collection method: clinical testing. Allele origin: germline.
Comment: This sequence change replaces aspartic acid, which is acidic and polar, with asparagine, which is neutral and polar, at codon 1122 of the IFT140 protein (p.Asp1122Asn). This variant is not present in population databases (gnomAD no frequency). This variant has not been reported in the literature in individuals affected with IFT140-related conditions. Algorithms developed to predict the effect of missense changes on protein structure and function are either unavailable or do not agree on the potential impact of this missense change (SIFT: "Deleterious"; PolyPhen-2: "Possibly Damaging"; Align-GVGD: "Class C0"). In summary, the available evidence is currently insufficient to determine the role of this variant in disease. Therefore, it has been classified as a Variant of Uncertain Significance.